The following is an entry in ClinVar:

ClinVar aggregate classification (germline): Pathogenic. Review status: criteria provided, multiple submitters, no conflicts (2 of 4 stars). 2 submissions from 2 submitters: Pathogenic (2). Last evaluated 2022-07-24.

Conditions:
Retinitis pigmentosa 39 (RP39). Identifiers: Orphanet 791, MedGen C3151138, MONDO:0013436, OMIM 613809.
Usher syndrome type 2A. Also called: RETINAL DISEASE IN USHER SYNDROME TYPE IIA, MODIFIER OF; USHER SYNDROME, TYPE IIA. Identifiers: Orphanet 231178, Orphanet 886, MedGen C1848634, MONDO:0010169, OMIM 276901.

Submissions (2):

Labcorp Genetics (formerly Invitae), Labcorp
Classification: Pathogenic. Last evaluated: 2022-07-24. Review status: criteria provided, single submitter. Criteria: Invitae Variant Classification Sherloc (09022015). Collection method: clinical testing. Allele origin: germline.
Comment: For these reasons, this variant has been classified as Pathogenic. This variant has not been reported in the literature in individuals affected with USH2A-related conditions. This variant is not present in population databases (gnomAD no frequency). This sequence change creates a premature translational stop signal (p.Ala2081Glyfs*22) in the USH2A gene. It is expected to result in an absent or disrupted protein product. Loss-of-function variants in USH2A are known to be pathogenic (PMID: 10729113, 10909849, 20507924, 25649381).

Juno Genomics, Hangzhou Juno Genomics, Inc
Classification: Pathogenic for Retinitis pigmentosa 39; Usher syndrome type 2A. Review status: criteria provided, single submitter. Criteria: ACMG Guidelines, 2015. Collection method: clinical testing. Allele origin: germline.
Comment: Absent from controls (or at extremely low frequency if recessive) in Genome Aggregation Database.;Null variant in a gene where loss of function (LOF) is a known mechanism of disease.;For recessive disorders, detected in trans with a pathogenic variant.

Literature cited by the submitters: PubMed 10729113 (cited by Labcorp Genetics (formerly Invitae), Labcorp); PubMed 10909849 (cited by Labcorp Genetics (formerly Invitae), Labcorp); PubMed 20507924 (cited by Labcorp Genetics (formerly Invitae), Labcorp); PubMed 25649381 (cited by Labcorp Genetics (formerly Invitae), Labcorp).

NM_206933.4(USH2A):c.6239dup (p.Ala2081fs)

Gene: USH2A (usherin; minus strand). Cytogenetic location: 1q41.
Variant type: Duplication.
Coding change: c.6239dup on transcript NM_206933.4 (MANE Select); coding-DNA position 6239, one base duplicated (A; older notation c.6239dupA).
Protein change: p.Ala2081fs; shifts the reading frame from alanine 2081.
Molecular consequence: frameshift variant.
Genome position (GRCh38, 1-based): chr1:216,046,517, T duplicated on the plus strand (A on the coding strand, the reverse complement: USH2A is on the minus strand); the first of 5 consecutive T bases (chr1:216,046,517-216,046,521); duplicating any one gives the same sequence. VCF-style (leftmost placement, unchanged base first): chr1-216046516-C-CT. GRCh37 (hg19) VCF-style: chr1-216219858-C-CT.
Other names: short protein forms A2081fs.
Identifiers: ClinVar variation 1916212 (VCV001916212.7), dbSNP rs1558229491, ClinGen allele CA916403006.